The following is an entry in ClinVar:

ClinVar aggregate classification (germline): Uncertain significance (1 of 4 stars; one submission).

Submission:

GeneDx
Classification: Uncertain significance. Last evaluated: 2025-08-09. Review status: criteria provided, single submitter. Criteria: GeneDx Variant Classification Process June 2021. Collection method: clinical testing. Allele origin: germline.
Comment: Not observed at significant frequency in large population cohorts (gnomAD); In silico analysis supports that this missense variant has a deleterious effect on protein structure/function; Has not been previously published as pathogenic or benign to our knowledge

NM_024496.4(IRF2BPL):c.1180A>G (p.Lys394Glu)

Gene: IRF2BPL (interferon regulatory factor 2 binding protein like; minus strand). Cytogenetic location: 14q24.3.
Variant type: single nucleotide variant.
Coding change: c.1180A>G on transcript NM_024496.4 (MANE Select); coding-DNA position 1180, A replaced by G.
Protein change: p.Lys394Glu; replaces lysine 394 with glutamic acid.
Molecular consequence: missense variant.
Genome position (GRCh38, 1-based): chr14:77,026,613, T>C on the plus strand (A>G on the coding strand, the complement: IRF2BPL is on the minus strand). VCF-style: chr14-77026613-T-C. GRCh37 (hg19) VCF-style: chr14-77492956-T-C.
Other names: short protein forms K394E.
Identifiers: ClinVar variation 2499753 (VCV002499753.2), dbSNP rs2503076388, ClinGen allele CA390495421.